The following is an entry in ClinVar:

ClinVar aggregate classification (germline): Uncertain significance (1 of 4 stars; one submission).

Submission:

CeGaT Center for Human Genetics Tuebingen
Classification: Uncertain significance. Last evaluated: 2025-07-01. Review status: criteria provided, single submitter. Criteria: CeGaT Center For Human Genetics Tuebingen Variant Classification Criteria Version 2. Collection method: clinical testing. Allele origin: germline. Affected: yes. Observed: 1 variant allele.
Comment: CSNK2B: PM2, PP2

NM_001320.7(CSNK2B):c.109A>G (p.Thr37Ala)

Gene: CSNK2B (casein kinase 2 beta; plus strand). Cytogenetic location: 6p21.33.
Variant type: single nucleotide variant.
Coding change: c.109A>G on transcript NM_001320.7 (MANE Select); coding-DNA position 109, A replaced by G.
Protein change: p.Thr37Ala; replaces threonine 37 with alanine.
Molecular consequence: missense variant.
Genome position (GRCh38, 1-based): chr6:31,667,904, A>G. VCF-style: chr6-31667904-A-G. GRCh37 (hg19) VCF-style: chr6-31635681-A-G.
Other names: c.109A>G, p.Thr37Ala (NM_001282385.2); short protein forms T37A.
Identifiers: ClinVar variation 4085500 (VCV004085500.8).